The following is an entry in ClinVar:

ClinVar aggregate classification (germline): Pathogenic/Likely pathogenic. Review status: criteria provided, multiple submitters, no conflicts (2 of 4 stars). 11 submissions from 11 submitters: Pathogenic (9); Likely pathogenic (1). 1 of the submissions does not count toward it. Last evaluated 2026-08-06.

Conditions:
Low phospholipid associated cholelithiasis (GBD1). Also called: Gallstone cholecystitis; Gallbladder disease 1. Identifiers: Orphanet 69663, MedGen C2609268, MONDO:0010939, OMIM 600803.
Cholestasis, intrahepatic, of pregnancy, 3. Identifiers: Orphanet 69665, MedGen C3554241, MONDO:0013995, OMIM 614972.
Progressive familial intrahepatic cholestasis type 3. Also called: MDR3 DEFICIENCY; Low Gamma-GT Familial Intrahepatic Cholestasis. Identifiers: Orphanet 79305, MedGen C1865643, MONDO:0011214, OMIM 602347.
Familial intrahepatic cholestasis. Identifiers: Orphanet 284385, MedGen CN296401, MONDO:0017290.
ABCB4-related disorder. Also called: ABCB4-related disorders; ABCB4-related condition.
Progressive familial intrahepatic cholestasis type 1. Also called: Severe ATP8B1 Deficiency (Progressive Familial Intrahepatic Cholestasis Type 1 [PFIC1]); Byler's disease; BYLER DISEASE. Identifiers: Orphanet 79306, MedGen C4551898, MONDO:0008892, OMIM 211600.

Allele frequency attached by ClinVar (database versions not stated): TOPMed 0.00002; gnomAD 0.00001; gnomAD exomes 0.00002 and 0.00001; ExAC 0.00003; ESP Exome Variant Server 0.00008.
gnomAD v4.1: 15 of 1,613,814 alleles (0.00093%); highest among the groups gnomAD compares: African/African-American, 0.0027%; no homozygotes.

Submissions (11):

OLLIN Analises Genomicas, OLLIN
Classification: Likely pathogenic for Cholestasis, intrahepatic, of pregnancy, 3. Last evaluated: 2026-08-06. Review status: criteria provided, single submitter. Criteria: ACMG Guidelines 2015 PMID 25741868. Collection method: clinical testing. Allele origin: germline. Inheritance: Autosomal dominant inheritance.
Comment: This nonsense variant, located in exon 6 (of 28), has been reported in ClinVar (accession VCV000596680.17), in gnomAD with an allele frequency of 0.00093%, and in the scientific literature in individuals with ABCB4 related disorders (PMID: 17726488, 23533021, 34961929). This variant introduces a premature stop codon, which is predicted to result in either a truncated protein or degradation of the mRNA via nonsense-mediated decay (NMD). According to the currently available evidence, this variant has been classified as likely pathogenic (PVS1, PS4_P).

PreventionGenetics, part of Exact Sciences
Classification: Pathogenic for ABCB4-related condition. Last evaluated: 2026-05-05. Review status: criteria provided, single submitter. Criteria: ACMG Guidelines, 2015. Collection method: clinical testing. Allele origin: germline.
Comment: The ABCB4 c.475C>T variant is predicted to result in premature protein termination (p.Arg159*). This variant has been reported in the homozygous state to be causative for autosomal recessive progressive familial intrahepatic cholestasis (Table S4, Hertel et al. 2021. PubMed ID: 34016879; Bakır et al. 2021. PubMed ID: 34961929). This variant was also reported in the heterozygous state, in the absence of a second pathogenic variant, in association with autosomal recessive progressive familial intrahepatic cholestasis and low-phospholipid-associated cholelithiasis syndrome (Degiorgio et al. 2007. PubMed ID: 17726488; Poupon et al. 2013. PubMed ID: 23533021; Sharma et al. 2018. PubMed ID: 29973134). This variant is reported in 0.0050% of alleles in individuals of East Asian descent in gnomAD. Nonsense variants in ABCB4 are expected to be pathogenic. This variant is interpreted as pathogenic.

Genomenon, Inc
Classification: Pathogenic for Familial intrahepatic cholestasis; Low phospholipid associated cholelithiasis. Last evaluated: 2026-04-14. Review status: criteria provided, single submitter. Criteria: Genomenon Sequence Variant Interpretation Standards - Updated. Collection method: curation. Allele origin: germline. Affected: yes.
Comment: ABCB4 p.Arg159Ter (c.475C>T) is a nonsense variant that introduces a premature stop codon at amino acid position 159, creating a truncated protein that is predicted to undergo nonsense-mediated mRNA decay. This variant has been observed in at least one proband with an ABCB4-related disorder (PMID:40200381;34961929;23533021;21119540). The variant was found to segregate with disease in at least one affected family (PMID:21119540). It is absent or not present at a significant frequency in gnomAD. In conclusion, we classify ABCB4 p.Arg159Ter (c.475C>T) as a pathogenic variant.

Immunogenetics and Transplant Biology Service, University Hospital "Città della Salute e della Scienza di Torino"
Classification: Pathogenic for Cholestasis, intrahepatic, of pregnancy, 3; Progressive familial intrahepatic cholestasis type 3. Last evaluated: 2025-06-28. Review status: criteria provided, single submitter. Criteria: ACMG Guidelines, 2015. Collection method: clinical testing. Allele origin: germline. Affected: yes.

Labcorp Genetics (formerly Invitae), Labcorp
Classification: Pathogenic. Last evaluated: 2024-06-28. Review status: criteria provided, single submitter. Criteria: Invitae Variant Classification Sherloc (09022015). Collection method: clinical testing. Allele origin: germline.
Comment: This sequence change creates a premature translational stop signal (p.Arg159*) in the ABCB4 gene. It is expected to result in an absent or disrupted protein product. Loss-of-function variants in ABCB4 are known to be pathogenic (PMID: 17726488, 25755532). This variant is present in population databases (rs377160065, gnomAD 0.005%). This premature translational stop signal has been observed in individual(s) with progressive familial intrahepatic cholestasis type 3 and low-phospholipid-associated cholelithiasis (PMID: 17726488, 23533021, 34961929). ClinVar contains an entry for this variant (Variation ID: 596680). For these reasons, this variant has been classified as Pathogenic.

Fulgent Genetics
Classification: Pathogenic for Low phospholipid associated cholelithiasis; Progressive familial intrahepatic cholestasis type 3; Cholestasis, intrahepatic, of pregnancy, 3. Last evaluated: 2024-03-07. Review status: criteria provided, single submitter. Criteria: ACMG Guidelines, 2015. Collection method: clinical testing. Allele origin: germline.

Blueprint Genetics
Classification: Pathogenic for ABCB4-related disorders. Last evaluated: 2023-04-19. Review status: criteria provided, single submitter. Criteria: ACMG Guidelines, 2015. Collection method: clinical testing. Allele origin: germline. Affected: yes. Observed: 1 variant allele.

Genetics and Molecular Pathology, SA Pathology
Classification: Pathogenic for Low phospholipid associated cholelithiasis. Last evaluated: 2021-11-01. Review status: criteria provided, single submitter. Criteria: ACMG Guidelines, 2015. Collection method: clinical testing. Allele origin: germline. Affected: yes.

Mendelics
Classification: Pathogenic for Progressive familial intrahepatic cholestasis type 1. Last evaluated: 2019-05-28. Review status: criteria provided, single submitter. Criteria: Mendelics Assertion Criteria 2017. Collection method: clinical testing. Allele origin: unknown.

Eurofins Ntd Llc (ga)
Classification: Pathogenic. Last evaluated: 2018-04-10. Review status: criteria provided, single submitter. Criteria: EGL ClinVar v180209 classification definitions. Collection method: clinical testing. Allele origin: germline. Observed: 2 variant alleles, 2 heterozygotes.

NIHR Bioresource Rare Diseases, University of Cambridge
Classification: Likely pathogenic for Cholestasis, intrahepatic, of pregnancy, 3. Review status: no assertion criteria provided. Collection method: research. Allele origin: unknown. Affected: yes. Observed: 1 variant allele. Not counted in ClinVar's aggregate classification.

Literature cited by the submitters: PubMed 17726488 (cited by OLLIN Analises Genomicas, OLLIN and Labcorp Genetics (formerly Invitae), Labcorp); PubMed 23533021 (cited by 3 submitters); PubMed 34961929 (cited by 3 submitters); PubMed 40200381 (cited by Genomenon, Inc); PubMed 21119540 (cited by Genomenon, Inc); PubMed 25755532 (cited by Labcorp Genetics (formerly Invitae), Labcorp); PubMed 32581362 (cited by NIHR Bioresource Rare Diseases, University of Cambridge).

NM_000443.4(ABCB4):c.475C>T (p.Arg159Ter)

Gene: ABCB4 (ATP binding cassette subfamily B member 4; minus strand). Cytogenetic location: 7q21.12.
Variant type: single nucleotide variant.
Coding change: c.475C>T on transcript NM_000443.4 (MANE Select); coding-DNA position 475, C replaced by T.
Protein change: p.Arg159Ter; replaces arginine 159 with a stop codon.
Molecular consequence: nonsense.
Genome position (GRCh38, 1-based): chr7:87,453,005, G>A on the plus strand (C>T on the coding strand, the complement: ABCB4 is on the minus strand). VCF-style: chr7-87453005-G-A. GRCh37 (hg19) VCF-style: chr7-87082321-G-A.
Other names: c.475C>T, p.Arg159Ter (NM_018849.3, NM_018850.3); short protein forms R159*.
Identifiers: ClinVar variation 596680 (VCV000596680.19), dbSNP rs377160065, ClinGen allele CA4327533.